The following is an entry in ClinVar:

NM_001458.5(FLNC):c.3698A>G (p.His1233Arg)

Gene: FLNC (filamin C; plus strand). Cytogenetic location: 7q32.1.
Variant type: single nucleotide variant.
Coding change: c.3698A>G on transcript NM_001458.5 (MANE Select); coding-DNA position 3698, A replaced by G.
Protein change: p.His1233Arg; replaces histidine 1233 with arginine.
Molecular consequence: missense variant.
Genome position (GRCh38, 1-based): chr7:128,845,163, A>G. VCF-style: chr7-128845163-A-G. GRCh37 (hg19) VCF-style: chr7-128485217-A-G.
Other names: c.3698A>G, p.His1233Arg (NM_001127487.2); short protein forms H1233R.
Identifiers: ClinVar variation 3279229 (VCV003279229.1).

ClinVar aggregate classification (germline): Uncertain significance (1 of 4 stars; one submission).

Conditions:
Cardiovascular phenotype. Identifiers: MedGen CN230736.

gnomAD v4.1: 1 of 1,613,920 alleles (0.000062%); highest among the groups gnomAD compares: East Asian, 0.0022%; no homozygotes.

Submission:

Ambry Genetics
Classification: Uncertain significance for Cardiovascular phenotype. Last evaluated: 2024-06-03. Review status: criteria provided, single submitter. Criteria: Ambry Variant Classification Scheme 2023. Collection method: clinical testing. Allele origin: germline.
Comment: The p.H1233R variant (also known as c.3698A>G), located in coding exon 21 of the FLNC gene, results from an A to G substitution at nucleotide position 3698. The histidine at codon 1233 is replaced by arginine, an amino acid with highly similar properties. This amino acid position is conserved. In addition, this alteration is predicted to be tolerated by in silico analysis. Based on the available evidence, the clinical significance of this variant remains unclear.